The following is an entry in ClinVar:

ClinVar aggregate classification (germline): Uncertain significance (1 of 4 stars; one submission).

Conditions:
Peroxisome biogenesis disorder 12A (Zellweger). Also called: Peroxisome biogenesis disorder 12A. Identifiers: Orphanet 912, MedGen C3554002, MONDO:0013951, OMIM 614886.

Allele frequency attached by ClinVar (database versions not stated): TOPMed 0.00002.

Submission:

Labcorp Genetics (formerly Invitae), Labcorp
Classification: Uncertain significance for Peroxisome biogenesis disorder 12A (Zellweger). Last evaluated: 2024-01-22. Review status: criteria provided, single submitter. Criteria: Invitae Variant Classification Sherloc (09022015). Collection method: clinical testing. Allele origin: germline.
Comment: This sequence change replaces alanine, which is neutral and non-polar, with valine, which is neutral and non-polar, at codon 80 of the PEX19 protein (p.Ala80Val). This variant is not present in population databases (gnomAD no frequency). This variant has not been reported in the literature in individuals affected with PEX19-related conditions. ClinVar contains an entry for this variant (Variation ID: 2163357). Advanced modeling of protein sequence and biophysical properties (such as structural, functional, and spatial information, amino acid conservation, physicochemical variation, residue mobility, and thermodynamic stability) performed at Invitae indicates that this missense variant is not expected to disrupt PEX19 protein function with a negative predictive value of 80%. In summary, the available evidence is currently insufficient to determine the role of this variant in disease. Therefore, it has been classified as a Variant of Uncertain Significance.

NM_002857.4(PEX19):c.239C>T (p.Ala80Val)

Gene: PEX19 (peroxisomal biogenesis factor 19; minus strand). Cytogenetic location: 1q23.2.
Variant type: single nucleotide variant.
Coding change: c.239C>T on transcript NM_002857.4 (MANE Select); coding-DNA position 239, C replaced by T.
Protein change: p.Ala80Val; replaces alanine 80 with valine.
Molecular consequence: missense variant. On other transcripts: non-coding transcript variant (2).
Genome position (GRCh38, 1-based): chr1:160,283,051, G>A on the plus strand (C>T on the coding strand, the complement: PEX19 is on the minus strand). VCF-style: chr1-160283051-G-A. GRCh37 (hg19) VCF-style: chr1-160252841-G-A.
Other names: c.239C>T, p.Ala80Val (NM_001193644.1); short protein forms A80V.
Identifiers: ClinVar variation 2163357 (VCV002163357.2), dbSNP rs1657843456, ClinGen allele CA343263457.